The following is an entry in ClinVar:

NM_002691.4(POLD1):c.261G>A (p.Leu87=)

Gene: POLD1 (DNA polymerase delta 1, catalytic subunit; plus strand). Cytogenetic location: 19q13.33.
Variant type: single nucleotide variant.
Coding change: c.261G>A on transcript NM_002691.4 (MANE Select); coding-DNA position 261, G replaced by A.
Protein change: p.Leu87=; no amino-acid change (leucine 87 retained).
Molecular consequence: synonymous variant. On other transcripts: non-coding transcript variant (1).
Genome position (GRCh38, 1-based): chr19:50,399,429, G>A. VCF-style: chr19-50399429-G-A. GRCh37 (hg19) VCF-style: chr19-50902686-G-A.
Other names: p.Leu87=; c.261G>A, p.Leu87= (NM_001256849.1, NM_001308632.1).
Identifiers: ClinVar variation 484433 (VCV000484433.18), dbSNP rs1555789229, ClinGen allele CA508181258.

ClinVar aggregate classification (germline): Likely benign. Review status: criteria provided, multiple submitters, no conflicts (2 of 4 stars). 4 submissions from 4 submitters: Likely benign (4). Last evaluated 2025-03-04.

Conditions:
Hereditary cancer-predisposing syndrome. Also called: Tumor predisposition; Hereditary Cancer Syndrome; Hereditary neoplastic syndrome; Neoplastic Syndromes, Hereditary. Identifiers: Orphanet 140162, MedGen C0027672, MeSH D009386, MONDO:0015356.
POLD1-related polyposis and colorectal cancer syndrome (CRCS10). Also called: Colorectal cancer 10; COLORECTAL CANCER, SUSCEPTIBILITY TO, ON CHROMOSOME 19q; Colorectal cancer, susceptibility to, 10. Identifiers: Orphanet 220460, MedGen C2675481, MONDO:0012953, OMIM 612591.

Submissions (4):

Center for Genomic Medicine, Rigshospitalet, Copenhagen University Hospital
Classification: Likely benign. Last evaluated: 2025-03-04. Review status: criteria provided, single submitter. Criteria: ACMG Guidelines, 2015. Collection method: clinical testing. Allele origin: germline.

Mayo Clinic Laboratories, Mayo Clinic
Classification: Likely benign. Last evaluated: 2025-02-03. Review status: criteria provided, single submitter. Criteria: ACMG Guidelines, 2015. Collection method: clinical testing. Allele origin: germline. Observed: 1 variant allele.
Comment: BP4, BP7

Labcorp Genetics (formerly Invitae), Labcorp
Classification: Likely benign for POLD1-related polyposis and colorectal cancer syndrome. Last evaluated: 2024-08-19. Review status: criteria provided, single submitter. Criteria: Invitae Variant Classification Sherloc (09022015). Collection method: clinical testing. Allele origin: germline.

Ambry Genetics
Classification: Likely benign for Hereditary cancer-predisposing syndrome. Last evaluated: 2017-08-31. Review status: criteria provided, single submitter. Criteria: Ambry Variant Classification Scheme 2023. Collection method: clinical testing. Allele origin: germline.